The following is an entry in ClinVar:

NM_001035.3(RYR2):c.12590T>C (p.Ile4197Thr)

Genes: RYR2 (ryanodine receptor 2; plus strand), LOC126806068 (BRD4-independent group 4 enhancer GRCh37_chr1:237947411-237948610; plus strand). Cytogenetic location: 1q43.
Variant type: single nucleotide variant.
Coding change: c.12590T>C on transcript NM_001035.3 (MANE Select); coding-DNA position 12590, T replaced by C.
Protein change: p.Ile4197Thr; replaces isoleucine 4197 with threonine.
Molecular consequence: missense variant.
Genome position (GRCh38, 1-based): chr1:237,784,302, T>C. VCF-style: chr1-237784302-T-C. GRCh37 (hg19) VCF-style: chr1-237947602-T-C.
Other names: short protein forms I4197T.
Identifiers: ClinVar variation 3069678 (VCV003069678.1), dbSNP rs2527787696, ClinGen allele CA345413696.

ClinVar aggregate classification (germline): Uncertain significance (1 of 4 stars; one submission).

Conditions:
Catecholaminergic polymorphic ventricular tachycardia (CVPT). Also called: Catecholamine-induced polymorphic ventricular tachycardia. Identifiers: Orphanet 3286, MedGen C5574922, MONDO:0017990.

Submission:

All of Us Research Program, National Institutes of Health
Classification: Uncertain significance for Catecholaminergic polymorphic ventricular tachycardia. Last evaluated: 2023-02-24. Review status: criteria provided, single submitter. Criteria: ACMG Guidelines, 2015. Collection method: clinical testing. Allele origin: germline. Inheritance: Autosomal dominant inheritance. Observed: 1 variant allele, 1 heterozygote.
Comment: This missense variant replaces isoleucine with threonine at codon 4197 of the RYR2 protein. Computational prediction suggests that this variant may have deleterious impact on protein structure and function (internally defined REVEL score threshold >= 0.7, PMID: 27666373). To our knowledge, functional studies have not been reported for this variant. This variant has not been reported in individuals affected with RYR2-related disorders in the literature. This variant has not been identified in the general population by the Genome Aggregation Database (gnomAD). The available evidence is insufficient to determine the role of this variant in disease conclusively. Therefore, this variant is classified as a Variant of Uncertain Significance.

This study involves interpretation of variants in research participants for the purpose of population health screening. Participant phenotype was not available at the time of variant classification. Additional details can be found in publication PMID: 35346344, PMCID: PMC8962531